The following is an entry in ClinVar:

ClinVar aggregate classification (germline): Uncertain significance (1 of 4 stars; one submission).

Submission:

Labcorp Genetics (formerly Invitae), Labcorp
Classification: Uncertain significance. Last evaluated: 2025-03-02. Review status: criteria provided, single submitter. Criteria: Invitae Variant Classification Sherloc (09022015). Collection method: clinical testing. Allele origin: germline.
Comment: This sequence change replaces proline, which is neutral and non-polar, with alanine, which is neutral and non-polar, at codon 41 of the DIAPH3 protein (p.Pro41Ala). This variant is not present in population databases (gnomAD no frequency). This variant has not been reported in the literature in individuals affected with DIAPH3-related conditions. An algorithm developed to predict the effect of missense changes on protein structure and function (PolyPhen-2) suggests that this variant is likely to be tolerated. In summary, the available evidence is currently insufficient to determine the role of this variant in disease. Therefore, it has been classified as a Variant of Uncertain Significance.

NM_001042517.2(DIAPH3):c.121C>G (p.Pro41Ala)

Gene: DIAPH3 (diaphanous related formin 3; minus strand). Cytogenetic location: 13q21.2.
Variant type: single nucleotide variant.
Coding change: c.121C>G on transcript NM_001042517.2 (MANE Select); coding-DNA position 121, C replaced by G.
Protein change: p.Pro41Ala; replaces proline 41 with alanine.
Molecular consequence: missense variant.
Genome position (GRCh38, 1-based): chr13:60,163,646, G>C on the plus strand (C>G on the coding strand, the complement: DIAPH3 is on the minus strand). VCF-style: chr13-60163646-G-C. GRCh37 (hg19) VCF-style: chr13-60737780-G-C.
Other names: c.121C>G, p.Pro41Ala (NM_001258366.2, NM_001258367.2, NM_001258368.2 and 1 more transcripts); short protein forms P41A.
Identifiers: ClinVar variation 4691494 (VCV004691494.1).
Genomic context (GRCh38, chr13:60,163,646, plus strand): 5'-CAAACTTGGGGCGCTTCTCCCCAGGCTCCTCGGGGCCACTGGGCGGCGGAGGGTGTTGGG[G>C]GCCCTTCCTGCGCGGCATCTTGCTTTCCCGGCAGCCGCGGAGAGAGGCTGAGGAAGGGTA-3'
Protein context (NP_001035982.1, residues 31-51): RESKMPRRKG[Pro41Ala]QHPPPPSGPE